The following is an entry in ClinVar:

ClinVar aggregate classification (germline): Uncertain significance (1 of 4 stars; one submission).

Submission:

Labcorp Genetics (formerly Invitae), Labcorp
Classification: Uncertain significance. Last evaluated: 2019-09-28. Review status: criteria provided, single submitter. Criteria: Invitae Variant Classification Sherloc (09022015). Collection method: clinical testing. Allele origin: germline.
Comment: In summary, the available evidence is currently insufficient to determine the role of this variant in disease. Therefore, it has been classified as a Variant of Uncertain Significance. Algorithms developed to predict the effect of missense changes on protein structure and function are either unavailable or do not agree on the potential impact of this missense change (SIFT: "Tolerated"; PolyPhen-2: "Possibly Damaging"; Align-GVGD: "Class C0"). This variant has not been reported in the literature in individuals with SLC24A1-related conditions. This variant is not present in population databases (ExAC no frequency). This sequence change replaces proline with threonine at codon 424 of the SLC24A1 protein (p.Pro424Thr). The proline residue is weakly conserved and there is a small physicochemical difference between proline and threonine.

NM_004727.3(SLC24A1):c.1270C>A (p.Pro424Thr)

Gene: SLC24A1 (solute carrier family 24 member 1; plus strand). Cytogenetic location: 15q22.31.
Variant type: single nucleotide variant.
Coding change: c.1270C>A on transcript NM_004727.3 (MANE Select); coding-DNA position 1270, C replaced by A.
Protein change: p.Pro424Thr; replaces proline 424 with threonine.
Molecular consequence: missense variant.
Genome position (GRCh38, 1-based): chr15:65,625,350, C>A. VCF-style: chr15-65625350-C-A. GRCh37 (hg19) VCF-style: chr15-65917688-C-A.
Other names: c.1270C>A, p.Pro424Thr (NM_001301031.1, NM_001301032.1, NM_001301033.2); short protein forms P424T.
Identifiers: ClinVar variation 936060 (VCV000936060.9), dbSNP rs769082310, ClinGen allele CA392917112.
Genomic context (GRCh38, chr15:65,625,350, plus strand): 5'-CTCACCACTCCCTCCCCAAGCCTCACAACAGCCCTGCTCCCAGAGGAGCTCAGTCCTAGT[C>A]CCTCAGTGCTGCCTCCCAGCTTGCCAGACCTCCACCCCAAGGGAGAGTACCCCCCAGATC-3'
Protein context (NP_004718.1, residues 414-434): ALLPEELSPS[Pro424Thr]SVLPPSLPDL